The following is an entry in ClinVar:

ClinVar aggregate classification (germline): Uncertain significance (1 of 4 stars; one submission).

Conditions:
Baller-Gerold syndrome (BGS). Also called: CRANIOSYNOSTOSIS WITH RADIAL DEFECTS. Identifiers: Orphanet 1225, MedGen C0265308, MONDO:0009039, OMIM 218600.

Allele frequency attached by ClinVar (database versions not stated): TOPMed below 0.00001; gnomAD exomes 0.00002; ExAC 0.00006.

Submission:

Labcorp Genetics (formerly Invitae), Labcorp
Classification: Uncertain significance for Baller-Gerold syndrome. Last evaluated: 2025-10-02. Review status: criteria provided, single submitter. Criteria: Invitae Variant Classification Sherloc (09022015). Collection method: clinical testing. Allele origin: germline.
Comment: This sequence change replaces alanine, which is neutral and non-polar, with threonine, which is neutral and polar, at codon 644 of the RECQL4 protein (p.Ala644Thr). This variant is present in population databases (rs774323224, gnomAD 0.02%). This variant has not been reported in the literature in individuals affected with RECQL4-related conditions. ClinVar contains an entry for this variant (Variation ID: 459357). Invitae Evidence Modeling of protein sequence and biophysical properties (such as structural, functional, and spatial information, amino acid conservation, physicochemical variation, residue mobility, and thermodynamic stability) indicates that this missense variant is expected to disrupt RECQL4 protein function with a positive predictive value of 80%. In summary, the available evidence is currently insufficient to determine the role of this variant in disease. Therefore, it has been classified as a Variant of Uncertain Significance.

NM_004260.4(RECQL4):c.1930G>A (p.Ala644Thr)

Gene: RECQL4 (RecQ like helicase 4; minus strand). Cytogenetic location: 8q24.3.
Variant type: single nucleotide variant.
Coding change: c.1930G>A on transcript NM_004260.4 (MANE Select); coding-DNA position 1930, G replaced by A.
Protein change: p.Ala644Thr; replaces alanine 644 with threonine.
Molecular consequence: missense variant.
Genome position (GRCh38, 1-based): chr8:144,514,056, C>T on the plus strand (G>A on the coding strand, the complement: RECQL4 is on the minus strand). VCF-style: chr8-144514056-C-T. GRCh37 (hg19) VCF-style: chr8-145739440-C-T.
Other names: short protein forms A644T.
Identifiers: ClinVar variation 459357 (VCV000459357.7), dbSNP rs774323224, ClinGen allele CA4948572.